The following is an entry in ClinVar:

ClinVar aggregate classification (germline): Uncertain significance (1 of 4 stars; one submission).

Conditions:
Inflammatory skin and bowel disease, neonatal, 1. Identifiers: Orphanet 294023, MedGen C3280501, MONDO:0013693, OMIM 614328.

gnomAD v4.1: 1 of 1,614,016 alleles (0.000062%); highest among the groups gnomAD compares: Admixed American, 0.0017%; no homozygotes.

Submission:

Labcorp Genetics (formerly Invitae), Labcorp
Classification: Uncertain significance for Inflammatory skin and bowel disease, neonatal, 1. Last evaluated: 2022-06-04. Review status: criteria provided, single submitter. Criteria: Invitae Variant Classification Sherloc (09022015). Collection method: clinical testing. Allele origin: germline.
Comment: This sequence change replaces lysine, which is basic and polar, with threonine, which is neutral and polar, at codon 523 of the ADAM17 protein (p.Lys523Thr). This variant is present in population databases (no rsID available, gnomAD 0.003%). This variant has not been reported in the literature in individuals affected with ADAM17-related conditions. Algorithms developed to predict the effect of missense changes on protein structure and function are either unavailable or do not agree on the potential impact of this missense change (SIFT: "Not Available"; PolyPhen-2: "Possibly Damaging"; Align-GVGD: "Not Available"). In summary, the available evidence is currently insufficient to determine the role of this variant in disease. Therefore, it has been classified as a Variant of Uncertain Significance.

NM_003183.6(ADAM17):c.1568A>C (p.Lys523Thr)

Genes: ADAM17 (ADAM metallopeptidase domain 17; minus strand), IAH1 (isoamyl acetate hydrolyzing esterase 1 (putative); plus strand). Cytogenetic location: 2p25.1.
Variant type: single nucleotide variant.
Coding change: c.1568A>C on transcript NM_003183.6 (MANE Select); coding-DNA position 1568, A replaced by C.
Protein change: p.Lys523Thr; replaces lysine 523 with threonine.
Molecular consequence: missense variant.
Genome position (GRCh38, 1-based): chr2:9,502,253, T>G on the plus strand (A>C on the coding strand, the complement: ADAM17 is on the minus strand). VCF-style: chr2-9502253-T-G. GRCh37 (hg19) VCF-style: chr2-9642382-T-G.
Other names: c.908A>C, p.Lys303Thr (NM_001382777.1); c.671A>C, p.Lys224Thr (NM_001382778.1); short protein forms K303T, K523T, K224T.
Identifiers: ClinVar variation 2056475 (VCV002056475.1), dbSNP rs1355666965, ClinGen allele CA345776725.